The following is an entry in ClinVar:

NM_024675.4(PALB2):c.875A>G (p.Gln292Arg)

Gene: PALB2 (partner and localizer of BRCA2; minus strand). Cytogenetic location: 16p12.2.
Variant type: single nucleotide variant.
Coding change: c.875A>G on transcript NM_024675.4 (MANE Select); coding-DNA position 875, A replaced by G.
Protein change: p.Gln292Arg; replaces glutamine 292 with arginine.
Molecular consequence: missense variant.
Genome position (GRCh38, 1-based): chr16:23,635,671, T>C on the plus strand (A>G on the coding strand, the complement: PALB2 is on the minus strand). VCF-style: chr16-23635671-T-C. GRCh37 (hg19) VCF-style: chr16-23646992-T-C.
Other names: short protein forms Q292R.
Identifiers: ClinVar variation 482031 (VCV000482031.11), dbSNP rs1328100544, ClinGen allele CA395135767.

ClinVar aggregate classification (germline): Uncertain significance. Review status: criteria provided, multiple submitters, no conflicts (2 of 4 stars). 2 submissions from 2 submitters: Uncertain significance (2). Last evaluated 2025-02-19.

Conditions:
Familial cancer of breast. Also called: BREAST CANCER, FAMILIAL; Hereditary breast cancer; hereditary breast carcinoma. Identifiers: Orphanet 227535, MedGen C0346153, MONDO:0016419, OMIM 114480. Disease mechanism: loss of function.
Hereditary cancer-predisposing syndrome. Also called: Neoplastic Syndromes, Hereditary; Tumor predisposition; Hereditary Cancer Syndrome; Hereditary neoplastic syndrome. Identifiers: Orphanet 140162, MedGen C0027672, MeSH D009386, MONDO:0015356.

Allele frequency attached by ClinVar (database versions not stated): gnomAD exomes below 0.00001.
gnomAD v4.1: 1 of 1,614,144 alleles (0.000062%); highest among the groups gnomAD compares: Non-Finnish European, 0.000085%; no homozygotes.

Submissions (2):

Ambry Genetics
Classification: Uncertain significance for Hereditary cancer-predisposing syndrome. Last evaluated: 2025-02-19. Review status: criteria provided, single submitter. Criteria: Ambry Variant Classification Scheme 2023. Collection method: clinical testing. Allele origin: germline.
Comment: The p.Q292R variant (also known as c.875A>G), located in coding exon 4 of the PALB2 gene, results from an A to G substitution at nucleotide position 875. The glutamine at codon 292 is replaced by arginine, an amino acid with highly similar properties. This amino acid position is not well conserved in available vertebrate species. In addition, this alteration is predicted to be tolerated by in silico analysis. Since supporting evidence is limited at this time, the clinical significance of this alteration remains unclear.

Labcorp Genetics (formerly Invitae), Labcorp
Classification: Uncertain significance for Familial cancer of breast. Last evaluated: 2024-06-22. Review status: criteria provided, single submitter. Criteria: Invitae Variant Classification Sherloc (09022015). Collection method: clinical testing. Allele origin: germline.
Comment: This sequence change replaces glutamine, which is neutral and polar, with arginine, which is basic and polar, at codon 292 of the PALB2 protein (p.Gln292Arg). This variant is present in population databases (no rsID available, gnomAD 0.0009%). This variant has not been reported in the literature in individuals affected with PALB2-related conditions. ClinVar contains an entry for this variant (Variation ID: 482031). Algorithms developed to predict the effect of missense changes on protein structure and function output the following: SIFT: "Not Available"; PolyPhen-2: "Benign"; Align-GVGD: "Not Available". The arginine amino acid residue is found in multiple mammalian species, which suggests that this missense change does not adversely affect protein function. In summary, the available evidence is currently insufficient to determine the role of this variant in disease. Therefore, it has been classified as a Variant of Uncertain Significance.